The following is an entry in ClinVar:

NM_000540.3(RYR1):c.11265A>G (p.Lys3755=)

Gene: RYR1 (ryanodine receptor 1; plus strand). Cytogenetic location: 19q13.2.
Variant type: single nucleotide variant.
Coding change: c.11265A>G on transcript NM_000540.3 (MANE Select); coding-DNA position 11265, A replaced by G.
Protein change: p.Lys3755=; no amino-acid change (lysine 3755 retained).
Molecular consequence: synonymous variant.
Genome position (GRCh38, 1-based): chr19:38,534,725, A>G. VCF-style: chr19-38534725-A-G. GRCh37 (hg19) VCF-style: chr19-39025365-A-G.
Other names: p.Lys3755=; c.11250A>G, p.Lys3750= (NM_001042723.2).
Identifiers: ClinVar variation 4684372 (VCV004684372.1).

ClinVar aggregate classification (germline): Likely benign (1 of 4 stars; one submission).

Submission:

Mayo Clinic Laboratories, Mayo Clinic
Classification: Likely benign. Last evaluated: 2025-07-02. Review status: criteria provided, single submitter. Criteria: ACMG Guidelines, 2015. Collection method: clinical testing. Allele origin: germline. Observed: 1 variant allele.
Comment: BP4, BP7